The following is an entry in ClinVar:

ClinVar aggregate classification (germline): Uncertain significance. Review status: criteria provided, multiple submitters, no conflicts (2 of 4 stars). 4 submissions from 4 submitters: Uncertain significance (3). 1 of the submissions does not count toward it. Last evaluated 2025-10-09.

Conditions:
PRKG1-related disorder. Also called: PRKG1-related condition.
Familial thoracic aortic aneurysm and aortic dissection (TAAD). Also called: Thoracic aortic aneurysms and dissections. Identifiers: Orphanet 91387, MedGen C4707243, MONDO:0019625.
Aortic aneurysm, familial thoracic 8 (AAT8). Identifiers: MedGen C3809513, MONDO:0014187, OMIM 615436.

Allele frequency attached by ClinVar (database versions not stated): gnomAD exomes 0.00002; TOPMed 0.00001; gnomAD 0.00002.
gnomAD v4.1: 33 of 1,590,666 alleles (0.0021%); highest among the groups gnomAD compares: East Asian, 0.0046%; no homozygotes.

Submissions (4):

Ambry Genetics
Classification: Uncertain significance for Familial thoracic aortic aneurysm and aortic dissection. Last evaluated: 2025-10-09. Review status: criteria provided, single submitter. Criteria: Ambry Variant Classification Scheme 2023. Collection method: clinical testing. Allele origin: germline.
Comment: The c.478+5G>A intronic variant results from a G to A substitution 5 nucleotides after coding exon 2 in the PRKG1 gene. This nucleotide position is highly conserved in available vertebrate species. In silico splice site analysis predicts that this alteration will not have any significant effect on splicing. Based on the available evidence, the clinical significance of this variant remains unclear.

Labcorp Genetics (formerly Invitae), Labcorp
Classification: Uncertain significance for Aortic aneurysm, familial thoracic 8. Last evaluated: 2025-09-01. Review status: criteria provided, single submitter. Criteria: Invitae Variant Classification Sherloc (09022015). Collection method: clinical testing. Allele origin: germline.
Comment: This sequence change falls in intron 2 of the PRKG1 gene. It does not directly change the encoded amino acid sequence of the PRKG1 protein. It affects a nucleotide within the consensus splice site. This variant is present in population databases (rs763059343, gnomAD 0.003%). This variant has been observed in individual(s) with an aortic aneurysm (internal data). ClinVar contains an entry for this variant (Variation ID: 1041937). Variants that disrupt the consensus splice site are a relatively common cause of aberrant splicing (PMID: 17576681, 9536098). Algorithms developed to predict the effect of sequence changes on RNA splicing suggest that this variant is not likely to affect RNA splicing. In summary, the available evidence is currently insufficient to determine the role of this variant in disease. Therefore, it has been classified as a Variant of Uncertain Significance.

Women's Health and Genetics/Laboratory Corporation of America, LabCorp
Classification: Uncertain significance. Last evaluated: 2024-01-01. Review status: criteria provided, single submitter. Criteria: LabCorp Variant Classification Summary - May 2015. Collection method: clinical testing. Allele origin: germline.

PreventionGenetics, part of Exact Sciences
Classification: Uncertain significance for PRKG1-related condition. Last evaluated: 2023-11-29. Review status: no assertion criteria provided. Collection method: clinical testing. Allele origin: germline. Not counted in ClinVar's aggregate classification.
Comment: The PRKG1 c.478+5G>A variant is predicted to interfere with splicing. To our knowledge, this variant has not been reported in the literature. This variant is reported in 0.0035% of alleles in individuals of South Asian descent in gnomAD. At this time, the clinical significance of this variant is uncertain due to the absence of conclusive functional and genetic evidence.

Literature cited by the submitters: PubMed 17576681 (cited by Labcorp Genetics (formerly Invitae), Labcorp); PubMed 9536098 (cited by Labcorp Genetics (formerly Invitae), Labcorp).

NM_006258.4(PRKG1):c.478+5G>A

Gene: PRKG1 (protein kinase cGMP-dependent 1; plus strand). Cytogenetic location: 10q21.1.
Variant type: single nucleotide variant.
Coding change: c.478+5G>A on transcript NM_006258.4 (MANE Select); 5 bases into the intron after coding-DNA position 478, G replaced by A.
Molecular consequence: intron variant.
Genome position (GRCh38, 1-based): chr10:51,153,335, G>A. VCF-style: chr10-51153335-G-A. GRCh37 (hg19) VCF-style: chr10-52913095-G-A.
Other names: c.433+5G>A (NM_001098512.3); c.478+5G>A (NM_001374782.1, NM_006258.3).
Identifiers: ClinVar variation 1041937 (VCV001041937.10), dbSNP rs763059343, ClinGen allele CA5503134.